The following is an entry in ClinVar:

ClinVar aggregate classification (germline): Uncertain significance (1 of 4 stars; one submission).

Conditions:
Cardiovascular phenotype. Identifiers: MedGen CN230736.

Submission:

Ambry Genetics
Classification: Uncertain significance for Cardiovascular phenotype. Last evaluated: 2025-09-17. Review status: criteria provided, single submitter. Criteria: Ambry Variant Classification Scheme 2023. Collection method: clinical testing. Allele origin: germline.
Comment: The p.Q638P variant (also known as c.1913A>C), located in coding exon 11 of the SOS1 gene, results from an A to C substitution at nucleotide position 1913. The glutamine at codon 638 is replaced by proline, an amino acid with similar properties. This amino acid position is conserved. In addition, this alteration is predicted to be deleterious by in silico analysis. Based on the available evidence, the clinical significance of this variant remains unclear.

NM_005633.4(SOS1):c.1913A>C (p.Gln638Pro)

Gene: SOS1 (SOS Ras/Rac guanine nucleotide exchange factor 1; minus strand). Cytogenetic location: 2p22.1.
Variant type: single nucleotide variant.
Coding change: c.1913A>C on transcript NM_005633.4 (MANE Select); coding-DNA position 1913, A replaced by C.
Protein change: p.Gln638Pro; replaces glutamine 638 with proline.
Molecular consequence: missense variant.
Genome position (GRCh38, 1-based): chr2:39,014,792, T>G on the plus strand (A>C on the coding strand, the complement: SOS1 is on the minus strand). VCF-style: chr2-39014792-T-G. GRCh37 (hg19) VCF-style: chr2-39241933-T-G.
Other names: c.1892A>C, p.Gln631Pro (NM_001382394.1); c.1913A>C, p.Gln638Pro (NM_001382395.1); short protein forms Q631P, Q638P.
Identifiers: ClinVar variation 4614972 (VCV004614972.1).
Genomic context (GRCh38, chr2:39,014,792, plus strand): 5'-TAATGAATTTAAATATTTTTTAAATGGACAGACCTTTCTATTATAAGACTCAGTAGTTCT[T>G]GAGGTTTGCAAAAGGATCTGTATGTTGTAAGAAATGTCCGAACAAAATTGGGATCTAAGA-3'
Protein context (NP_005624.2, residues 628-648): LTTYRSFCKP[Gln638Pro]ELLSLIIERF